The following is an entry in ClinVar:

NM_004595.5(SMS):c.170+3G>C

Gene: SMS (spermine synthase; plus strand). Cytogenetic location: Xp22.11.
Variant type: single nucleotide variant.
Coding change: c.170+3G>C on transcript NM_004595.5 (MANE Select); 3 bases into the intron after coding-DNA position 170, G replaced by C.
Molecular consequence: intron variant.
Genome position (GRCh38, 1-based): chrX:21,967,319, G>C. VCF-style: chrX-21967319-G-C. GRCh37 (hg19) VCF-style: chrX-21985437-G-C.
Other names: c.170+3G>C (NM_001258423.2).
Identifiers: ClinVar variation 3376201 (VCV003376201.1).

ClinVar aggregate classification (germline): Uncertain significance (1 of 4 stars; one submission).

Conditions:
Intellectual developmental disorder, X-linked, syndromic, Snyder-Robinson type. Also called: X-linked mental retardation Snyder - Robinson type; Syndromic X-linked intellectual disability Snyder type; Spermine synthase deficiency; SNYDER-ROBINSON MENTAL RETARDATION SYNDROME. Identifiers: Orphanet 3063, MedGen C0796160, MONDO:0010664, OMIM 309583.

Submission:

Pittsburgh Clinical Genomics Laboratory, University of Pittsburgh Medical Center
Classification: Uncertain significance for Intellectual developmental disorder, X-linked, syndromic, Snyder-Robinson type. Last evaluated: 2022-10-26. Review status: criteria provided, single submitter. Criteria: ACMG Guidelines, 2015. Collection method: clinical testing. Allele origin: germline. Inheritance: X-linked recessive inheritance. Affected: yes.
Comment: This sequence variant is a single nucleotide substitution (G>C) at the +3 position downstream of exon 2 of the SMS gene. This novel variant has not been reported previously in individuals with SMS-related disease, to our knowledge. This variant is present in 1/182972 alleles (0.0005%, 0 hemizygotes) in the gnomAD population database. Multiple splicing tools predict that this variant may affect the normal function of the exon 2 splice donor site; however, this prediction has not been confirmed with in vitro or in vivo functiol assays, to our knowledge. Without further clinical or functiol information, there is insufficient information to determine if this variant is benign or pathogenic. Thus, we consider it to be a variant of uncertain significance. ACMG Criteria: PM2, PP3